The following is an entry in ClinVar:

NM_001363.5(DKC1):c.1304C>T (p.Pro435Leu)

Gene: DKC1 (dyskerin pseudouridine synthase 1; plus strand). Cytogenetic location: Xq28.
Variant type: single nucleotide variant.
Coding change: c.1304C>T on transcript NM_001363.5 (MANE Select); coding-DNA position 1304, C replaced by T.
Protein change: p.Pro435Leu; replaces proline 435 with leucine.
Molecular consequence: missense variant. On other transcripts: 3 prime UTR variant (1), non-coding transcript variant (3).
Genome position (GRCh38, 1-based): chrX:154,775,239, C>T. VCF-style: chrX-154775239-C-T. GRCh37 (hg19) VCF-style: chrX-154003514-C-T.
Other names: c.1289C>T, p.Pro430Leu (NM_001142463.3); c.*530C>T (NM_001288747.2); short protein forms P435L, P430L.
Identifiers: ClinVar variation 2148085 (VCV002148085.4), dbSNP rs2523706140, ClinGen allele CA414899036.
Genomic context (GRCh38, chrX:154,775,239, plus strand): 5'-GCTACCTCTTTTTCAGTGAGTCTGCCAAAAAAGAGGTGGTTGCTGAAGTGGTAAAAGCCC[C>T]GCAGGTAGTTGCCGAAGCAGCAAAAACTGCGAAGGTGAGTGGCATGCTGTCCTCAGTTTG-3'
Protein context (NP_001354.1, residues 425-445): KEVVAEVVKA[Pro435Leu]QVVAEAAKTA

ClinVar aggregate classification (germline): Uncertain significance. Review status: criteria provided, multiple submitters, no conflicts (2 of 4 stars). 2 submissions from 2 submitters: Uncertain significance (2). Last evaluated 2024-03-10.

Conditions:
Dyskeratosis congenita. Identifiers: Orphanet 1775, MedGen C0265965, MONDO:0015780.
Dyskeratosis congenita, X-linked (DKCX). Also called: Zinsser-Cole-Engman Syndrome. Identifiers: MedGen C1148551, MONDO:0010584, OMIM 305000.

Allele frequency attached by ClinVar (database versions not stated): gnomAD exomes 0.00001.

Submissions (2):

Labcorp Genetics (formerly Invitae), Labcorp
Classification: Uncertain significance for Dyskeratosis congenita. Last evaluated: 2024-03-10. Review status: criteria provided, single submitter. Criteria: Invitae Variant Classification Sherloc (09022015). Collection method: clinical testing. Allele origin: germline.
Comment: This sequence change replaces proline, which is neutral and non-polar, with leucine, which is neutral and non-polar, at codon 435 of the DKC1 protein (p.Pro435Leu). This variant is not present in population databases (gnomAD no frequency). This variant has not been reported in the literature in individuals affected with DKC1-related conditions. ClinVar contains an entry for this variant (Variation ID: 2148085). Advanced modeling of protein sequence and biophysical properties (such as structural, functional, and spatial information, amino acid conservation, physicochemical variation, residue mobility, and thermodynamic stability) performed at Invitae indicates that this missense variant is not expected to disrupt DKC1 protein function with a negative predictive value of 80%. In summary, the available evidence is currently insufficient to determine the role of this variant in disease. Therefore, it has been classified as a Variant of Uncertain Significance.

Neuberg Centre For Genomic Medicine, NCGM
Classification: Uncertain significance for Dyskeratosis congenita, X-linked. Review status: criteria provided, single submitter. Criteria: ACMG Guidelines, 2015. Collection method: clinical testing. Allele origin: germline. Inheritance: X-linked recessive inheritance. Affected: yes.
Comment: The missense c.1304C>T(p.Pro435Leu) variant in DKC1 gene has not been reported previously as a pathogenic variant nor as a benign variant, to our knowledge. The p.Pro435Leu variant is absent in gnomAD Exomes. This variant has been submitted to the ClinVar database as Uncertain significance. Computational evidence (Polyphen - Benign, SIFT - Damaging and MutationTaster -polymorphism) predicts conflicting evidence on protein structure and function for this variant. The reference amino acid at this position in DKC1 is predicted as conserved by GERP++ and PhyloP across 100 vertebrates. The amino acid Pro at position 435 is changed to a Leu changing protein sequence and it might alter its composition and physico-chemical properties. For these reasons, this variant has been classified as Variant of Uncertain Significance (VUS).